The following is an entry in ClinVar:

ClinVar aggregate classification (germline): Uncertain significance (1 of 4 stars; one submission).

Conditions:
Hearing loss, autosomal dominant 37. Also called: DEAFNESS, AUTOSOMAL DOMINANT 37. Identifiers: MedGen C4760307, MONDO:0032802, OMIM 618533.
Fibrochondrogenesis 1 (FBCG1). Identifiers: Orphanet 2021, MedGen C3278138, MONDO:0009226, OMIM 228520.
Stickler syndrome type 2 (STL2). Also called: STICKLER SYNDROME, TYPE II; STICKLER SYNDROME, BEADED VITREOUS TYPE; STICKLER SYNDROME, VITREOUS TYPE 2; COL11A1-Related Stickler Syndrome. Identifiers: Orphanet 828, Orphanet 90654, MedGen C1858084, MONDO:0011493, OMIM 604841.
Marshall syndrome (MRSHS). Identifiers: Orphanet 560, MedGen C0265235, MONDO:0007949, OMIM 154780.
Intervertebral disc disorder (IDD). Also called: INTERVERTEBRAL DISC DISEASE; Lumbar disk degenerative disorder. Identifiers: MedGen C0158252, MONDO:0044339, OMIM 603932.

Submission:

Juno Genomics, Hangzhou Juno Genomics, Inc
Classification: Uncertain significance for Intervertebral disc disorder; Hearing loss, autosomal dominant 37; Fibrochondrogenesis 1; Marshall syndrome; Stickler syndrome type 2. Review status: criteria provided, single submitter. Criteria: ACMG Guidelines, 2015. Collection method: clinical testing. Allele origin: germline.
Comment: Absent from controls (or at extremely low frequency if recessive) in Genome Aggregation Database.;Multiple lines of computational evidence support a deleterious effect on the gene or gene product.

NM_001854.4(COL11A1):c.4001A>G (p.Asp1334Gly)

Gene: COL11A1 (collagen type XI alpha 1 chain; minus strand). Cytogenetic location: 1p21.1.
Variant type: single nucleotide variant.
Coding change: c.4001A>G on transcript NM_001854.4 (MANE Select); coding-DNA position 4001, A replaced by G.
Protein change: p.Asp1334Gly; replaces aspartic acid 1334 with glycine.
Molecular consequence: missense variant. On other transcripts: non-coding transcript variant (1).
Genome position (GRCh38, 1-based): chr1:102,913,668, T>C on the plus strand (A>G on the coding strand, the complement: COL11A1 is on the minus strand). VCF-style: chr1-102913668-T-C. GRCh37 (hg19) VCF-style: chr1-103379224-T-C.
Other names: c.3884A>G, p.Asp1295Gly (NM_001190709.2); c.4037A>G, p.Asp1346Gly (NM_080629.3); c.3653A>G, p.Asp1218Gly (NM_080630.4); short protein forms D1346G, D1218G, D1295G, D1334G.
Identifiers: ClinVar variation 5004947 (VCV005004947.2).